The following is an entry in ClinVar:

ClinVar aggregate classification (germline): Conflicting classifications of pathogenicity. Review status: criteria provided, conflicting classifications (1 of 4 stars). 3 submissions from 2 submitters: Uncertain significance (1); Benign (2). Last evaluated 2023-12-04.

Conditions:
Vitreoretinopathy. Also called: Vitreoretinal degeneration. Identifiers: MedGen C0344290, MONDO:0020248, HP:0007773.
Wagner disease. Also called: WAGNER VITREORETINAL DEGENERATION; WAGNER VITREORETINOPATHY; Wagner Vitreoretinal Degeneration (Wagner Synrdome); WAGNER SYNDROME 1; HYALOIDEORETINAL DEGENERATION OF WAGNER; Wagner syndrome. Identifiers: Orphanet 898, MedGen C1840452, MONDO:0007740, OMIM 143200.

Allele frequency attached by ClinVar (database versions not stated): TOPMed 0.00001; ExAC 0.00002; gnomAD exomes 0.00002.
gnomAD v4.1: 36 of 1,613,882 alleles (0.0022%); highest among the groups gnomAD compares: Non-Finnish European, 0.003%; no homozygotes.

Submissions (3):

Labcorp Genetics (formerly Invitae), Labcorp
Classification: Uncertain significance. Last evaluated: 2023-12-04. Review status: criteria provided, single submitter. Criteria: Invitae Variant Classification Sherloc (09022015). Collection method: clinical testing. Allele origin: germline.
Comment: This sequence change replaces valine, which is neutral and non-polar, with alanine, which is neutral and non-polar, at codon 1894 of the VCAN protein (p.Val1894Ala). This variant is present in population databases (rs780104369, gnomAD 0.004%). This variant has not been reported in the literature in individuals affected with VCAN-related conditions. ClinVar contains an entry for this variant (Variation ID: 904066). An algorithm developed to predict the effect of missense changes on protein structure and function (PolyPhen-2) suggests that this variant is likely to be tolerated. In summary, the available evidence is currently insufficient to determine the role of this variant in disease. Therefore, it has been classified as a Variant of Uncertain Significance.

Illumina Laboratory Services, Illumina
Classification: Benign for Wagner disease. Last evaluated: 2018-01-12. Review status: criteria provided, single submitter. Criteria: ICSL Variant Classification Criteria 13 December 2019. Collection method: clinical testing. Allele origin: germline.
Comment: This variant was observed in the ICSL laboratory as part of a predisposition screen in an ostensibly healthy population. It had not been previously curated by ICSL or reported in the Human Gene Mutation Database (HGMD: prior to June 1st, 2018), and was therefore a candidate for classification through an automated scoring system. Utilizing variant allele frequency, disease prevalence and penetrance estimates, and inheritance mode, an automated score was calculated to assess if this variant is too frequent to cause the disease. Based on the score and internal cut-off values, a variant classified as benign is not then subjected to further curation. The score for this variant resulted in a classification of benign for this disease.

Illumina Laboratory Services, Illumina
Classification: Benign for Vitreoretinopathy. Last evaluated: 2018-01-12. Review status: criteria provided, single submitter. Criteria: ICSL Variant Classification Criteria 13 December 2019. Collection method: clinical testing. Allele origin: germline.
Comment: the same text as in the submission from Illumina Laboratory Services, Illumina above.

NM_004385.5(VCAN):c.5681T>C (p.Val1894Ala)

Genes: VCAN (versican; plus strand), VCAN-AS1 (VCAN antisense RNA 1; minus strand). Cytogenetic location: 5q14.3.
Variant type: single nucleotide variant.
Coding change: c.5681T>C on transcript NM_004385.5 (MANE Select); coding-DNA position 5681, T replaced by C.
Protein change: p.Val1894Ala; replaces valine 1894 with alanine.
Molecular consequence: missense variant. On other transcripts: intron variant (2).
Genome position (GRCh38, 1-based): chr5:83,538,684, T>C. VCF-style: chr5-83538684-T-C. GRCh37 (hg19) VCF-style: chr5-82834503-T-C.
Other names: c.2720T>C, p.Val907Ala (NM_001164097.2); c.4004-6853T>C (NM_001164098.2); c.1043-6853T>C (NM_001126336.3); short protein forms V1894A, V907A.
Identifiers: ClinVar variation 904066 (VCV000904066.11), dbSNP rs780104369, ClinGen allele CA3333368.